The following is an entry in ClinVar:

ClinVar aggregate classification (germline): Conflicting classifications of pathogenicity. Review status: criteria provided, conflicting classifications (1 of 4 stars). 5 submissions from 5 submitters: Uncertain significance (4); Likely benign (1). Last evaluated 2025-01-14.

Conditions:
JUP-related disorder. Also called: JUP-related condition.
Cardiovascular phenotype. Identifiers: MedGen CN230736.
Naxos disease (NXD). Also called: WOOLLY HAIR, PALMOPLANTAR KERATODERMA, AND CARDIAC ABNORMALITIES; KERATOSIS PALMOPLANTARIS WITH ARRHYTHMOGENIC CARDIOMYOPATHY; MAL DE NAXOS; PALMOPLANTAR KERATODERMA WITH ARRHYTHMOGENIC RIGHT VENTRICULAR CARDIOMYOPATHY AND WOOLLY HAIR; CARDIOMYOPATHY, ARRHYTHMOGENIC RIGHT VENTRICULAR, WITH SKIN, HAIR, AND NAIL ABNORMALITIES. Identifiers: Orphanet 34217, MedGen C1832600, MONDO:0011017, OMIM 601214.
Arrhythmogenic right ventricular dysplasia 12. Also called: ARRHYTHMOGENIC RIGHT VENTRICULAR DYSPLASIA, FAMILIAL, 12. Identifiers: MedGen C1969081, MONDO:0012684, OMIM 611528.

Allele frequency attached by ClinVar (database versions not stated): gnomAD exomes 0.00001; TOPMed 0.00001; ExAC 0.00003; gnomAD 0.00003 and 0.00004; ESP Exome Variant Server 0.00008.
gnomAD v4.1: 40 of 1,614,122 alleles (0.0025%); highest among the groups gnomAD compares: East Asian, 0.0067%; no homozygotes.

Submissions (5):

PreventionGenetics, part of Exact Sciences
Classification: Uncertain significance for JUP-related condition. Last evaluated: 2025-01-14. Review status: criteria provided, single submitter. Criteria: ACMG Guidelines, 2015. Collection method: clinical testing. Allele origin: germline.
Comment: The JUP c.1331G>A variant is predicted to result in the amino acid substitution p.Arg444His. To our knowledge, this variant has not been reported in the literature. This variant is reported in 0.020% of alleles in individuals of East Asian descent in gnomAD. At this time, the clinical significance of this variant is uncertain due to the absence of conclusive functional and genetic evidence.

Labcorp Genetics (formerly Invitae), Labcorp
Classification: Uncertain significance for Arrhythmogenic right ventricular dysplasia 12; Naxos disease. Last evaluated: 2024-09-23. Review status: criteria provided, single submitter. Criteria: Invitae Variant Classification Sherloc (09022015). Collection method: clinical testing. Allele origin: germline.
Comment: This sequence change replaces arginine, which is basic and polar, with histidine, which is basic and polar, at codon 444 of the JUP protein (p.Arg444His). This variant is present in population databases (rs369507567, gnomAD 0.02%). This variant has not been reported in the literature in individuals affected with JUP-related conditions. ClinVar contains an entry for this variant (Variation ID: 45833). An algorithm developed to predict the effect of missense changes on protein structure and function (PolyPhen-2) suggests that this variant¬¨‚Ä†is likely to be tolerated. In summary, the available evidence is currently insufficient to determine the role of this variant in disease. Therefore, it has been classified as a Variant of Uncertain Significance.

Ambry Genetics
Classification: Likely benign for Cardiovascular phenotype. Last evaluated: 2022-11-09. Review status: criteria provided, single submitter. Criteria: Ambry Variant Classification Scheme 2023. Collection method: clinical testing. Allele origin: germline.

Fulgent Genetics
Classification: Uncertain significance for Naxos disease; Arrhythmogenic right ventricular dysplasia 12. Last evaluated: 2021-11-02. Review status: criteria provided, single submitter. Criteria: ACMG Guidelines, 2015. Collection method: clinical testing. Allele origin: unknown.

Laboratory for Molecular Medicine, Mass General Brigham Personalized Medicine
Classification: Uncertain significance. Last evaluated: 2012-11-28. Review status: criteria provided, single submitter. Criteria: LMM Criteria. Collection method: clinical testing. Allele origin: germline. Observed: 1 variant allele.
Comment: The Arg444His variant in JUP has not been reported in the literature nor previou sly identified by our laboratory but has been identified in 1/8600 European Amer ican chromosomes from a broad population by the NHLBI Exome Sequencing Project. Computational analyses (biochemical amino ac id properties, conservation, AlignGVGD, PolyPhen2, and SIFT) suggest that the Ar g444His variant may not impact the protein, though this information is not predi ctive enough to rule out pathogenicity. In summary, additional studies are neede d to fully assess its clinical significance.

Literature cited by the submitters: PubMed 30847666 (cited by Ambry Genetics).

NM_002230.4(JUP):c.1331G>A (p.Arg444His)

Gene: JUP (junction plakoglobin; minus strand). Cytogenetic location: 17q21.2.
Variant type: single nucleotide variant.
Coding change: c.1331G>A on transcript NM_002230.4 (MANE Select); coding-DNA position 1331, G replaced by A.
Protein change: p.Arg444His; replaces arginine 444 with histidine.
Molecular consequence: missense variant.
Genome position (GRCh38, 1-based): chr17:41,763,149, C>T on the plus strand (G>A on the coding strand, the complement: JUP is on the minus strand). VCF-style: chr17-41763149-C-T. GRCh37 (hg19) VCF-style: chr17-39919401-C-T.
Other names: c.1331G>A, p.Arg444His (NM_001352773.2, NM_001352774.2, NM_001352775.2 and 3 more transcripts); short protein forms R444H.
Identifiers: ClinVar variation 45833 (VCV000045833.14), dbSNP rs369507567, ClinGen allele CA137129.